The following is an entry in ClinVar:

ClinVar aggregate classification (germline): Uncertain significance (1 of 4 stars; one submission).

Allele frequency attached by ClinVar (database versions not stated): gnomAD 0.00001; TOPMed below 0.00001.
gnomAD v4.1: 2 of 1,613,896 alleles (0.00012%); highest among the groups gnomAD compares: Non-Finnish European, 0.00017%; no homozygotes.

Submission:

Labcorp Genetics (formerly Invitae), Labcorp
Classification: Uncertain significance. Last evaluated: 2025-06-24. Review status: criteria provided, single submitter. Criteria: Invitae Variant Classification Sherloc (09022015). Collection method: clinical testing. Allele origin: germline.
Comment: This sequence change replaces serine, which is neutral and polar, with cysteine, which is neutral and slightly polar, at codon 417 of the RFWD3 protein (p.Ser417Cys). This variant is not present in population databases (gnomAD no frequency). This variant has not been reported in the literature in individuals affected with RFWD3-related conditions. ClinVar contains an entry for this variant (Variation ID: 2793785). An algorithm developed to predict the effect of missense changes on protein structure and function outputs the following: PolyPhen-2: "Benign". The cysteine amino acid residue is found in multiple mammalian species, which suggests that this missense change does not adversely affect protein function. In summary, the available evidence is currently insufficient to determine the role of this variant in disease. Therefore, it has been classified as a Variant of Uncertain Significance.

NM_018124.4(RFWD3):c.1250C>G (p.Ser417Cys)

Gene: RFWD3 (ring finger and WD repeat domain 3; minus strand). Cytogenetic location: 16q23.1.
Variant type: single nucleotide variant.
Coding change: c.1250C>G on transcript NM_018124.4 (MANE Select); coding-DNA position 1250, C replaced by G.
Protein change: p.Ser417Cys; replaces serine 417 with cysteine.
Molecular consequence: missense variant.
Genome position (GRCh38, 1-based): chr16:74,636,522, G>C on the plus strand (C>G on the coding strand, the complement: RFWD3 is on the minus strand). VCF-style: chr16-74636522-G-C. GRCh37 (hg19) VCF-style: chr16-74670420-G-C.
Other names: c.1250C>G, p.Ser417Cys (NM_001370534.1, NM_001370535.1, NM_001370536.1); c.416C>G, p.Ser139Cys (NM_001370537.1, NM_001370539.1, NM_001370540.1 and 3 more transcripts); short protein forms S139C, S417C.
Identifiers: ClinVar variation 2793785 (VCV002793785.3), dbSNP rs1367606821, ClinGen allele CA396762084.
Genomic context (GRCh38, chr16:74,636,522, plus strand): 5'-TGGTACTTGTGCTTGTGCTGGCCCTGGCTGGAGGGTGAGCAGCTCAGGACCCATGCTTGG[G>C]AGCCCCTGGGTTGCTGTAAATTCTGACTTTGATGTGACGTAAGTTTTTGCAAGTCCTAAA-3'
Protein context (NP_060594.3, residues 407-427): QSQNLQQPRG[Ser417Cys]QAWVLSCSPS